The following is an entry in ClinVar:

NM_080425.4(GNAS):c.1644G>C (p.Ala548=)

Gene: GNAS (GNAS complex locus; plus strand). Cytogenetic location: 20q13.32.
Variant type: single nucleotide variant.
Coding change: c.1644G>C on transcript NM_080425.4 (MANE Plus Clinical); coding-DNA position 1644, G replaced by C.
Protein change: p.Ala548=; no amino-acid change (alanine 548 retained).
Molecular consequence: synonymous variant. On other transcripts: missense variant (2), intron variant (3).
Genome position (GRCh38, 1-based): chr20:58,854,909, G>C. VCF-style: chr20-58854909-G-C. GRCh37 (hg19) VCF-style: chr20-57429964-G-C.
Other names: c.1457G>C, p.Arg486Pro (NM_001077490.3, NM_001309883.1); c.1644G>C, p.Ala548= (NM_001410913.1); c.*42+14023G>C (NM_016592.5); c.43+14023G>C (NM_001410912.1); c.-39+13034G>C (NM_001309861.2); short protein forms R486P.
Identifiers: ClinVar variation 4993431 (VCV004993431.1).

ClinVar aggregate classification (germline): Uncertain significance (1 of 4 stars; one submission).

Conditions:
GNAS-related disorder. Identifiers: MedGen CN380105.

Submission:

PreventionGenetics, part of Exact Sciences
Classification: Uncertain significance for GNAS-related condition. Last evaluated: 2026-09-24. Review status: criteria provided, single submitter. Criteria: ACMG Guidelines, 2015. Collection method: clinical testing. Allele origin: germline.
Comment: The GNAS c.1457G>C variant is predicted to result in the amino acid substitution p.Arg486Pro. This variant corresponds to a pre-coding position in an alternate transcript for this gene (NM_000516.5:c.-36818G>C). To our knowledge, this variant has not been reported in the literature or in a large population database (gnomAD), indicating this variant is rare. At this time, the clinical significance of this variant is uncertain due to the absence of conclusive functional and genetic evidence.